The following is an entry in ClinVar:

ClinVar aggregate classification (germline): Uncertain significance (1 of 4 stars; one submission).

Allele frequency attached by ClinVar (database versions not stated): gnomAD 0.00001.

Submission:

Labcorp Genetics (formerly Invitae), Labcorp
Classification: Uncertain significance. Last evaluated: 2022-08-24. Review status: criteria provided, single submitter. Criteria: Invitae Variant Classification Sherloc (09022015). Collection method: clinical testing. Allele origin: germline.
Comment: This sequence change replaces leucine, which is neutral and non-polar, with phenylalanine, which is neutral and non-polar, at codon 21 of the TNFRSF11A protein (p.Leu21Phe). This variant is not present in population databases (gnomAD no frequency). This variant has not been reported in the literature in individuals affected with TNFRSF11A-related conditions. Algorithms developed to predict the effect of missense changes on protein structure and function output the following: SIFT: "Tolerated"; PolyPhen-2: "Not Available"; Align-GVGD: "Class C0". The phenylalanine amino acid residue is found in multiple mammalian species, which suggests that this missense change does not adversely affect protein function. In summary, the available evidence is currently insufficient to determine the role of this variant in disease. Therefore, it has been classified as a Variant of Uncertain Significance.

NM_003839.4(TNFRSF11A):c.61C>T (p.Leu21Phe)

Gene: TNFRSF11A (TNF receptor superfamily member 11a; plus strand). Cytogenetic location: 18q21.33.
Variant type: single nucleotide variant.
Coding change: c.61C>T on transcript NM_003839.4 (MANE Select); coding-DNA position 61, C replaced by T.
Protein change: p.Leu21Phe; replaces leucine 21 with phenylalanine.
Molecular consequence: missense variant.
Genome position (GRCh38, 1-based): chr18:62,325,413, C>T. VCF-style: chr18-62325413-C-T. GRCh37 (hg19) VCF-style: chr18-59992646-C-T.
Other names: c.61C>T, p.Leu21Phe (NM_001270949.2, NM_001270950.2, NM_001270951.2 and 1 more transcripts); short protein forms L21F.
Identifiers: ClinVar variation 1717974 (VCV001717974.5), dbSNP rs2046057171, ClinGen allele CA402618758.